The following is an entry in ClinVar:

ClinVar aggregate classification (germline): Benign/Likely benign. Review status: criteria provided, multiple submitters, no conflicts (2 of 4 stars). 5 submissions from 5 submitters: Benign (3); Likely benign (1). 1 of the submissions does not count toward it. Last evaluated 2026-02-01.

Conditions:
ABCB1-related disorder. Also called: ABCB1-related condition.
Tramadol response. Also called: Ultram response. Identifiers: MedGen CN078023.

Allele frequency attached by ClinVar (database versions not stated): TOPMed 0.00206; 1000 Genomes Project 30x 0.00265; ESP Exome Variant Server 0.00284; 1000 Genomes Project 0.00300; gnomAD exomes 0.00456 and 0.00663; ExAC 0.00613; gnomAD 0.00614 and 0.00629.

Submissions (5):

CeGaT Center for Human Genetics Tuebingen
Classification: Likely benign. Last evaluated: 2026-02-01. Review status: criteria provided, single submitter. Criteria: CeGaT Center For Human Genetics Tuebingen Variant Classification Criteria Version 2. Collection method: clinical testing. Allele origin: germline. Affected: yes. Observed: 2 variant alleles.
Comment: ABCB1: BS2

PreventionGenetics, part of Exact Sciences
Classification: Benign for ABCB1-related condition. Last evaluated: 2024-10-10. Review status: criteria provided, single submitter. Criteria: ACMG Guidelines, 2015. Collection method: clinical testing. Allele origin: germline.
Comment: This variant is classified as benign based on ACMG/AMP sequence variant interpretation guidelines (Richards et al. 2015 PMID: 25741868, with internal and published modifications).

Labcorp Genetics (formerly Invitae), Labcorp
Classification: Benign. Last evaluated: 2018-07-25. Review status: criteria provided, single submitter. Criteria: Invitae Variant Classification Sherloc (09022015). Collection method: clinical testing. Allele origin: germline.

Breakthrough Genomics
Classification: Benign. Review status: criteria provided, single submitter. Criteria: ACMG Guidelines, 2015. Collection method: not provided. Allele origin: germline. Inheritance: Unknown mechanism. Affected: yes.

Bruce Budowle Laboratory, University of North Texas Health Science Center
Classification: drug response for Tramadol response. Last evaluated: 2018-04-28. Review status: no assertion criteria provided. Collection method: research. Allele origin: somatic. Affected: yes. Observed: 190 variant alleles. Not counted in ClinVar's aggregate classification.

NM_001348946.2(ABCB1):c.3320A>C (p.Gln1107Pro)

Gene: ABCB1 (ATP binding cassette subfamily B member 1; minus strand). Cytogenetic location: 7q21.12.
Variant type: single nucleotide variant.
Coding change: c.3320A>C on transcript NM_001348946.2 (MANE Select); coding-DNA position 3320, A replaced by C.
Protein change: p.Gln1107Pro; replaces glutamine 1107 with proline.
Molecular consequence: missense variant.
Genome position (GRCh38, 1-based): chr7:87,509,444, T>G on the plus strand (A>C on the coding strand, the complement: ABCB1 is on the minus strand). VCF-style: chr7-87509444-T-G. GRCh37 (hg19) VCF-style: chr7-87138760-T-G.
Other names: c.3320A>C, p.Gln1107Pro (NM_000927.5, NM_001348944.2); c.3530A>C, p.Gln1177Pro (NM_001348945.2); short protein forms Q1177P, Q1107P.
Identifiers: ClinVar variation 728508 (VCV000728508.29), dbSNP rs55852620, ClinGen allele CA4327792.